The following is an entry in ClinVar:

ClinVar aggregate classification (germline): Uncertain significance (1 of 4 stars; one submission).

Submission:

GeneDx
Classification: Uncertain significance. Last evaluated: 2026-02-06. Review status: criteria provided, single submitter. Criteria: GeneDx Variant Classification Process June 2021. Collection method: clinical testing. Allele origin: germline.
Comment: Not observed at significant frequency in large population cohorts (gnomAD); In silico analysis supports that this missense variant has a deleterious effect on protein structure/function; Has not been previously published as pathogenic or benign to our knowledge

NM_000384.3(APOB):c.2987C>T (p.Thr996Ile)

Gene: APOB (apolipoprotein B; minus strand). Cytogenetic location: 2p24.1.
Variant type: single nucleotide variant.
Coding change: c.2987C>T on transcript NM_000384.3 (MANE Select); coding-DNA position 2987, C replaced by T.
Protein change: p.Thr996Ile; replaces threonine 996 with isoleucine.
Molecular consequence: missense variant.
Genome position (GRCh38, 1-based): chr2:21,019,735, G>A on the plus strand (C>T on the coding strand, the complement: APOB is on the minus strand). VCF-style: chr2-21019735-G-A. GRCh37 (hg19) VCF-style: chr2-21242607-G-A.
Other names: short protein forms T996I.
Identifiers: ClinVar variation 4976280 (VCV004976280.1).